The following is an entry in ClinVar:

NM_001142800.2(EYS):c.9428_9429dup (p.Thr3144fs)

Genes: EYS (EGF-like photoreceptor maintenance factor; minus strand), PHF3 (PHD finger protein 3; plus strand). Cytogenetic location: 6q12.
Variant type: Duplication.
Coding change: c.9428_9429dup on transcript NM_001142800.2 (MANE Select); coding-DNA positions 9428 to 9429, 2 bases duplicated (TT; older notation c.9428_9429dupTT).
Protein change: p.Thr3144fs; shifts the reading frame from threonine 3144.
Molecular consequence: frameshift variant. On other transcripts: 3 prime UTR variant (5).
Genome position (GRCh38, 1-based): chr6:63,720,602-63,720,603, AA duplicated on the plus strand (TT on the coding strand, the reverse complement: EYS is on the minus strand). VCF-style (leftmost placement, unchanged base first): chr6-63720601-T-TAA. GRCh37 (hg19) VCF-style: chr6-64430497-T-TAA.
Other names: c.*6894_*6895dup (NM_001290259.2, NM_001370348.2, NM_001370349.2 and 2 more transcripts); c.9491_9492dup, p.Thr3165fs (NM_001292009.2); c.9428_9429dupTT (NM_001142800.1); short protein forms T3144fs, T3165fs.
Identifiers: ClinVar variation 1065748 (VCV001065748.7), dbSNP rs1270198704, ClinGen allele CA2499218428.

ClinVar aggregate classification (germline): Conflicting classifications of pathogenicity. Review status: criteria provided, conflicting classifications (1 of 4 stars). 3 submissions from 3 submitters: Likely pathogenic (1); Uncertain significance (2). Last evaluated 2023-04-12.

Conditions:
Retinitis pigmentosa 25 (RP25). Identifiers: Orphanet 791, MedGen C1864446, MONDO:0011272, OMIM 602772.

Submissions (3):

Women's Health and Genetics/Laboratory Corporation of America, LabCorp
Classification: Uncertain significance. Last evaluated: 2023-04-12. Review status: criteria provided, single submitter. Criteria: LabCorp Variant Classification Summary - May 2015. Collection method: clinical testing. Allele origin: germline.
Comment: Variant summary: EYS c.9428_9429dupTT (p.Thr3144LeufsX42) causes a frameshift which results in the disruption of the last amino acid and an extension of the protein by 40 additional amino acids. The variant was absent in 102776 control chromosomes. To our knowledge, no occurrence of c.9428_9429dupTT in individuals affected with Retinitis Pigmentosa and no experimental evidence demonstrating its impact on protein function have been reported. Two clinical diagnostic laboratories have submitted clinical-significance assessments for this variant to ClinVar after 2014 without evidence for independent evaluation. One laboratory classified the variant as likely pathogenic, and one laboratory classified the variant as uncertain significance. Based on the evidence outlined above, the variant was classified as VUS.

Labcorp Genetics (formerly Invitae), Labcorp
Classification: Uncertain significance. Last evaluated: 2022-03-29. Review status: criteria provided, single submitter. Criteria: Invitae Variant Classification Sherloc (09022015). Collection method: clinical testing. Allele origin: germline.
Comment: This variant is not present in population databases (gnomAD no frequency). This sequence change results in a frameshift in the EYS gene (p.Thr3144Leufs*42). While this is not anticipated to result in nonsense mediated decay, it is expected to disrupt the last 1 amino acid(s) of the EYS protein and extend the protein by 40 additional amino acid residues. This variant has not been reported in the literature in individuals affected with EYS-related conditions. In summary, the available evidence is currently insufficient to determine the role of this variant in disease. Therefore, it has been classified as a Variant of Uncertain Significance. ClinVar contains an entry for this variant (Variation ID: 1065748).

Ocular Genomics Institute, Massachusetts Eye and Ear
Classification: Likely pathogenic for Retinitis pigmentosa 25. Last evaluated: 2021-04-08. Review status: criteria provided, single submitter. Criteria: ACMG Guidelines, 2015. Collection method: research. Allele origin: germline. Affected: yes.
Comment: Through a review of available evidence we were able to apply the following criteria: PVS1, PM2. Based on this evidence we have classified this variant as Likely Pathogenic.